The following is an entry in ClinVar:

NM_014476.6(PDLIM3):c.330+2T>C

Gene: PDLIM3 (PDZ and LIM domain 3; minus strand). Cytogenetic location: 4q35.1.
Variant type: single nucleotide variant.
Coding change: c.330+2T>C on transcript NM_014476.6 (MANE Select); the canonical splice donor site of the intron after coding-DNA position 330, T replaced by C.
Molecular consequence: splice donor variant. On other transcripts: intron variant (1).
Genome position (GRCh38, 1-based): chr4:185,523,360, A>G on the plus strand (T>C on the coding strand, the complement: PDLIM3 is on the minus strand). VCF-style: chr4-185523360-A-G. GRCh37 (hg19) VCF-style: chr4-186444514-A-G.
Other names: c.94-9023T>C (NM_001257963.2); c.330+2T>C (NM_001257962.2, NM_001114107.5).
Identifiers: ClinVar variation 3755025 (VCV003755025.2).

ClinVar aggregate classification (germline): Uncertain significance (1 of 4 stars; one submission).

Conditions:
Primary dilated cardiomyopathy (DCM). Also called: Dilated Cardiomyopathy. Identifiers: Orphanet 217604, MedGen C0007193, MeSH D002311, MONDO:0005021, HP:0001644. Inheritance: Various modes of inheritance.
Hypertrophic cardiomyopathy. Also called: HYPERTROPHIC MYOCARDIOPATHY. Identifiers: Orphanet 217569, MedGen C0007194, MeSH D002312, MONDO:0005045, HP:0001639.

Submission:

Labcorp Genetics (formerly Invitae), Labcorp
Classification: Uncertain significance for Hypertrophic cardiomyopathy; Primary dilated cardiomyopathy. Last evaluated: 2024-03-02. Review status: criteria provided, single submitter. Criteria: Invitae Variant Classification Sherloc (09022015). Collection method: clinical testing. Allele origin: germline.
Comment: This sequence change affects a donor splice site in intron 3 of the PDLIM3 gene. It is expected to disrupt RNA splicing. Variants that disrupt the donor or acceptor splice site typically lead to a loss of protein function (PMID: 16199547), however the current clinical and genetic evidence is not sufficient to establish whether loss-of-function variants in PDLIM3 cause disease. This variant is not present in population databases (gnomAD no frequency). This variant has not been reported in the literature in individuals affected with PDLIM3-related conditions. Algorithms developed to predict the effect of sequence changes on RNA splicing suggest that this variant may disrupt the consensus splice site. In summary, the available evidence is currently insufficient to determine the role of this variant in disease. Therefore, it has been classified as a Variant of Uncertain Significance.

Literature cited by the submitters: PubMed 16199547.